The following is an entry in ClinVar:

NM_020706.2(SCAF4):c.1889G>A (p.Trp630Ter)

Gene: SCAF4 (SR-related CTD associated factor 4; minus strand). Cytogenetic location: 21q22.11.
Variant type: single nucleotide variant.
Coding change: c.1889G>A on transcript NM_020706.2 (MANE Select); coding-DNA position 1889, G replaced by A.
Protein change: p.Trp630Ter; replaces tryptophan 630 with a stop codon.
Molecular consequence: nonsense.
Genome position (GRCh38, 1-based): chr21:31,688,461, C>T on the plus strand (G>A on the coding strand, the complement: SCAF4 is on the minus strand). VCF-style: chr21-31688461-C-T. GRCh37 (hg19) VCF-style: chr21-33060774-C-T.
Other names: c.1844G>A, p.Trp615Ter (NM_001145444.1); c.1889G>A, p.Trp630Ter (NM_001145445.1); short protein forms W630*, W615*.
Identifiers: ClinVar variation 989409 (VCV000989409.2), dbSNP rs2050182643, ClinGen allele CA410046078.
Genomic context (GRCh38, chr21:31,688,461, plus strand): 5'-GAGGTTTCAGCACCTCCATTTTGAGCAACTTCATTTTCAGGCTTCTTAGGAATTCCTTTC[C>T]AATCTGTGAGCGTGAAAGAAATTTAACAAGAGTTTACCATTTTCAGTTTGTAACTTTAAA-3'

ClinVar aggregate classification (germline): Pathogenic. Review status: criteria provided, single submitter (1 of 4 stars). 2 submissions from 2 submitters: Pathogenic (1). 1 of the submissions does not count toward it. Last evaluated 2023-09-27.

Conditions:
Fliedner-Zweier syndrome (FZS). Identifiers: MedGen C5882693, MONDO:0957787, OMIM 620511.

Submissions (2):

GeneDx
Classification: Pathogenic. Last evaluated: 2023-09-27. Review status: criteria provided, single submitter. Criteria: GeneDx Variant Classification Process June 2021. Collection method: clinical testing. Allele origin: germline. Affected: yes.
Comment: Nonsense variant predicted to result in protein truncation or nonsense mediated decay in a gene for which loss of function is a known mechanism of disease; Not observed at significant frequency in large population cohorts (gnomAD); This variant is associated with the following publications: (PMID: 32730804)

OMIM
Classification: Pathogenic for FLIEDNER-ZWEIER SYNDROME. Last evaluated: 2023-09-15. Review status: no assertion criteria provided. Collection method: literature only. Allele origin: germline. Not counted in ClinVar's aggregate classification.

Literature cited by the submitters: PubMed 32730804 (cited by OMIM).